The following is an entry in ClinVar:

ClinVar aggregate classification (germline): Uncertain significance. Review status: criteria provided, multiple submitters, no conflicts (2 of 4 stars). 3 submissions from 3 submitters: Uncertain significance (3). Last evaluated 2026-03-05.

Conditions:
PKD2-related disorder. Also called: PKD2-related condition.
Autosomal dominant polycystic kidney disease. Identifiers: Orphanet 730, MedGen C0085413, MONDO:0004691.
Polycystic kidney disease 2 (PKD2). Also called: POLYCYSTIC KIDNEY DISEASE, ADULT, TYPE II; Polycystic Kidney Disease 2, Autosomal Dominant; POLYCYSTIC KIDNEY DISEASE 2 WITH OR WITHOUT POLYCYSTIC LIVER DISEASE. Identifiers: MedGen C2751306, MONDO:0013131, OMIM 613095.

Allele frequency attached by ClinVar (database versions not stated): ExAC 0.00001; gnomAD exomes 0.00001; gnomAD 0.00004; TOPMed 0.00007; ESP Exome Variant Server 0.00008.
gnomAD v4.1: 10 of 1,607,466 alleles (0.00062%); highest among the groups gnomAD compares: African/African-American, 0.013%; no homozygotes.

Submissions (3):

PreventionGenetics, part of Exact Sciences
Classification: Uncertain significance for PKD2-related condition. Last evaluated: 2026-03-05. Review status: criteria provided, single submitter. Criteria: ACMG Guidelines, 2015. Collection method: clinical testing. Allele origin: germline.
Comment: The PKD2 c.1523A>G variant is predicted to result in the amino acid substitution p.Asn508Ser. To our knowledge, this variant has not been reported in the literature. This variant is reported in 0.0080% of alleles in individuals of African descent in gnomAD. At this time, the clinical significance of this variant is uncertain due to the absence of conclusive functional and genetic evidence.

Labcorp Genetics (formerly Invitae), Labcorp
Classification: Uncertain significance for Autosomal dominant polycystic kidney disease. Last evaluated: 2025-08-24. Review status: criteria provided, single submitter. Criteria: Invitae Variant Classification Sherloc (09022015). Collection method: clinical testing. Allele origin: germline.
Comment: This sequence change replaces asparagine, which is neutral and polar, with serine, which is neutral and polar, at codon 508 of the PKD2 protein (p.Asn508Ser). This variant is present in population databases (rs373937061, gnomAD 0.004%). This variant has not been reported in the literature in individuals affected with PKD2-related conditions. ClinVar contains an entry for this variant (Variation ID: 2195339). Invitae Evidence Modeling of protein sequence and biophysical properties (such as structural, functional, and spatial information, amino acid conservation, physicochemical variation, residue mobility, and thermodynamic stability) indicates that this missense variant is not expected to disrupt PKD2 protein function with a negative predictive value of 80%. In summary, the available evidence is currently insufficient to determine the role of this variant in disease. Therefore, it has been classified as a Variant of Uncertain Significance.

Fulgent Genetics
Classification: Uncertain significance for Polycystic kidney disease 2. Last evaluated: 2024-04-04. Review status: criteria provided, single submitter. Criteria: ACMG Guidelines, 2015. Collection method: clinical testing. Allele origin: germline.

NM_000297.4(PKD2):c.1523A>G (p.Asn508Ser)

Gene: PKD2 (polycystin 2, transient receptor potential cation channel; plus strand). Cytogenetic location: 4q22.1.
Variant type: single nucleotide variant.
Coding change: c.1523A>G on transcript NM_000297.4 (MANE Select); coding-DNA position 1523, A replaced by G.
Protein change: p.Asn508Ser; replaces asparagine 508 with serine.
Molecular consequence: missense variant. On other transcripts: non-coding transcript variant (1).
Genome position (GRCh38, 1-based): chr4:88,046,845, A>G. VCF-style: chr4-88046845-A-G. GRCh37 (hg19) VCF-style: chr4-88967997-A-G.
Other names: c.1523A>G (NM_000297.3); short protein forms N508S.
Identifiers: ClinVar variation 2195339 (VCV002195339.6), dbSNP rs373937061, ClinGen allele CA3003959.